The following is an entry in ClinVar:

NM_000069.3(CACNA1S):c.4930T>G (p.Leu1644Val)

Gene: CACNA1S (calcium voltage-gated channel subunit alpha1 S; minus strand). Cytogenetic location: 1q32.1.
Variant type: single nucleotide variant.
Coding change: c.4930T>G on transcript NM_000069.3 (MANE Select); coding-DNA position 4930, T replaced by G.
Protein change: p.Leu1644Val; replaces leucine 1644 with valine.
Molecular consequence: missense variant.
Genome position (GRCh38, 1-based): chr1:201,043,399, A>C on the plus strand (T>G on the coding strand, the complement: CACNA1S is on the minus strand). VCF-style: chr1-201043399-A-C. GRCh37 (hg19) VCF-style: chr1-201012527-A-C.
Other names: short protein forms L1644V.
Identifiers: ClinVar variation 3073012 (VCV003073012.1), dbSNP rs2464410928, ClinGen allele CA344136639.

ClinVar aggregate classification (germline): Uncertain significance (1 of 4 stars; one submission).

Conditions:
Malignant hyperthermia, susceptibility to, 5 (MHS5). Also called: CACNA1S-Related Malignant Hyperthermia Susceptibility. Identifiers: Orphanet 423, MedGen C1866077, MONDO:0011163, OMIM 601887.

Submission:

All of Us Research Program, National Institutes of Health
Classification: Uncertain significance for Malignant hyperthermia, susceptibility to, 5. Last evaluated: 2023-08-15. Review status: criteria provided, single submitter. Criteria: ACMG Guidelines, 2015. Collection method: clinical testing. Allele origin: germline. Inheritance: Autosomal dominant inheritance. Observed: 1 variant allele, 1 heterozygote.
Comment: This missense variant replaces leucine with valine at codon 1644 of the CACNA1S protein. Computational prediction suggests that this variant may not impact protein structure and function (internally defined REVEL score threshold <= 0.5, PMID: 27666373). To our knowledge, functional studies have not been reported for this variant. This variant has not been reported in individuals affected with CACNA1S-related disorders in the literature. This variant has not been identified in the general population by the Genome Aggregation Database (gnomAD). The available evidence is insufficient to determine the role of this variant in disease conclusively. Therefore, this variant is classified as a Variant of Uncertain Significance.

This study involves interpretation of variants in research participants for the purpose of population health screening. Participant phenotype was not available at the time of variant classification. Additional details can be found in publication PMID: 35346344, PMCID: PMC8962531